The following is an entry in ClinVar:

ClinVar aggregate classification (germline): Uncertain significance (1 of 4 stars; one submission).

Conditions:
Autosomal dominant polycystic kidney disease. Identifiers: Orphanet 730, MedGen C0085413, MONDO:0004691.

Submission:

Labcorp Genetics (formerly Invitae), Labcorp
Classification: Uncertain significance for Autosomal dominant polycystic kidney disease. Last evaluated: 2025-09-04. Review status: criteria provided, single submitter. Criteria: Invitae Variant Classification Sherloc (09022015). Collection method: clinical testing. Allele origin: germline.
Comment: This sequence change replaces glutamine, which is neutral and polar, with histidine, which is basic and polar, at codon 585 of the PKD2 protein (p.Gln585His). This variant is not present in population databases (gnomAD no frequency). This variant has not been reported in the literature in individuals affected with PKD2-related conditions. ClinVar contains an entry for this variant (Variation ID: 2817754). Invitae Evidence Modeling of protein sequence and biophysical properties (such as structural, functional, and spatial information, amino acid conservation, physicochemical variation, residue mobility, and thermodynamic stability) indicates that this missense variant is expected to disrupt PKD2 protein function with a positive predictive value of 80%. In summary, the available evidence is currently insufficient to determine the role of this variant in disease. Therefore, it has been classified as a Variant of Uncertain Significance.

NM_000297.4(PKD2):c.1755G>C (p.Gln585His)

Gene: PKD2 (polycystin 2, transient receptor potential cation channel; plus strand). Cytogenetic location: 4q22.1.
Variant type: single nucleotide variant.
Coding change: c.1755G>C on transcript NM_000297.4 (MANE Select); coding-DNA position 1755, G replaced by C.
Protein change: p.Gln585His; replaces glutamine 585 with histidine.
Molecular consequence: missense variant. On other transcripts: non-coding transcript variant (1).
Genome position (GRCh38, 1-based): chr4:88,056,124, G>C. VCF-style: chr4-88056124-G-C. GRCh37 (hg19) VCF-style: chr4-88977276-G-C.
Other names: short protein forms Q585H.
Identifiers: ClinVar variation 2817754 (VCV002817754.3), dbSNP rs2475953758, ClinGen allele CA357622685.